The following is an entry in ClinVar:

ClinVar aggregate classification (germline): Uncertain significance (1 of 4 stars; one submission).

Conditions:
Hereditary cancer-predisposing syndrome. Also called: Hereditary neoplastic syndrome; Tumor predisposition; Hereditary Cancer Syndrome; Neoplastic Syndromes, Hereditary. Identifiers: Orphanet 140162, MedGen C0027672, MeSH D009386, MONDO:0015356.

Submission:

Ambry Genetics
Classification: Uncertain significance for Hereditary cancer-predisposing syndrome. Last evaluated: 2023-07-19. Review status: criteria provided, single submitter. Criteria: Ambry Variant Classification Scheme 2023. Collection method: clinical testing. Allele origin: germline.
Comment: The c.885_887delTGA variant (also known as p.D295del) is located in coding exon 8 of the FANCC gene. This variant results from an in-frame TGA deletion at nucleotide positions 885 to 887. This results in the in-frame deletion of an aspartic acid at codon 295. This amino acid position is highly conserved in available vertebrate species. In addition, this alteration is predicted to be deleterious by in silico analysis (Choi Y et al. PLoS ONE. 2012; 7(10):e46688). Since supporting evidence is limited at this time, the clinical significance of this alteration remains unclear.

NM_000136.3(FANCC):c.882TGA[1] (p.Asp295del)

Genes: AOPEP (aminopeptidase O (putative); plus strand), FANCC (FA complementation group C; minus strand). Cytogenetic location: 9q22.32.
Variant type: Microsatellite.
Coding change: c.882TGA[1] on transcript NM_000136.3 (MANE Select); one copy of the 3-base unit TGA starting at c.882; the reference has two copies in a row; one copy, 3 bases deleted.
Protein change: p.Asp295del; deletes aspartic acid 295.
Molecular consequence: inframe deletion. On other transcripts: inframe indel (2).
Genome position (GRCh38, 1-based): chr9:95,126,538-95,126,540, TCA deleted on the plus strand (TGA on the coding strand, the reverse complement: FANCC is on the minus strand); deleting any 3 consecutive bases within chr9:95,126,538-95,126,543 gives the same sequence; the position shown is the placement nearest the transcript's 3' end. VCF-style (leftmost placement, unchanged base first): chr9-95126537-CTCA-C. GRCh37 (hg19) VCF-style: chr9-97888819-CTCA-C.
Other names: c.882_884TGA[1], p.Asp295del (NM_000136.2); c.882TGA[1], p.Asp295del (NM_001243743.2, NM_001243744.2); c.885_887delTGA (NM_000136.2); short protein forms D295del.
Identifiers: ClinVar variation 2585974 (VCV002585974.2), dbSNP rs2541175592, ClinGen allele CA2582342003.